The following is an entry in ClinVar:

ClinVar aggregate classification (germline): Uncertain significance (0 of 4 stars; one submission).

Conditions:
SEMA3B-related disorder. Also called: SEMA3B-related condition.

gnomAD v4.1: 36 of 1,515,982 alleles (0.0024%); highest among the groups gnomAD compares: Admixed American, 0.0069%; no homozygotes.

Submission:

PreventionGenetics, part of Exact Sciences
Classification: Uncertain significance for SEMA3B-related condition. Last evaluated: 2024-05-10. Review status: no assertion criteria provided. Collection method: clinical testing. Allele origin: germline.
Comment: The SEMA3B c.86C>G variant is predicted to result in the amino acid substitution p.Pro29Arg. To our knowledge, this variant has not been reported in the literature. This variant is reported in 0.0085% of alleles in individuals of European (Non-Finnish) descent in gnomAD. At this time, the clinical significance of this variant is uncertain due to the absence of conclusive functional and genetic evidence.

NM_001290060.2(SEMA3B):c.86C>G (p.Pro29Arg)

Gene: SEMA3B (semaphorin 3B; plus strand). Cytogenetic location: 3p21.31.
Variant type: single nucleotide variant.
Coding change: c.86C>G on transcript NM_001290060.2 (MANE Select); coding-DNA position 86, C replaced by G.
Protein change: p.Pro29Arg; replaces proline 29 with arginine.
Molecular consequence: missense variant.
Genome position (GRCh38, 1-based): chr3:50,269,326, C>G. VCF-style: chr3-50269326-C-G.
Other names: c.86C>G, p.Pro29Arg (NM_001005914.3, NM_001290061.1, NM_004636.4); short protein forms P29R.
Identifiers: ClinVar variation 3352021 (VCV003352021.1).